The following is an entry in ClinVar:

NM_001382347.1(MYO5A):c.2715A>G (p.Leu905=)

Gene: MYO5A (myosin VA; minus strand). Cytogenetic location: 15q21.2.
Variant type: single nucleotide variant.
Coding change: c.2715A>G on transcript NM_001382347.1 (MANE Select); coding-DNA position 2715, A replaced by G.
Protein change: p.Leu905=; no amino-acid change (leucine 905 retained).
Molecular consequence: synonymous variant.
Genome position (GRCh38, 1-based): chr15:52,372,226, T>C on the plus strand (A>G on the coding strand, the complement: MYO5A is on the minus strand). VCF-style: chr15-52372226-T-C. GRCh37 (hg19) VCF-style: chr15-52664423-T-C.
Other names: c.2715A>G, p.Leu905= (NM_000259.3, NM_001142495.2, NM_001411135.1); c.2787A>G, p.Leu929= (NM_001382348.1, NM_001382349.1).
Identifiers: ClinVar variation 3042786 (VCV003042786.2), dbSNP rs747382970, ClinGen allele CA270679089.

ClinVar aggregate classification (germline): Likely benign (0 of 4 stars; one submission).

Conditions:
MYO5A-related disorder. Also called: MYO5A-related condition.

Allele frequency attached by ClinVar (database versions not stated): gnomAD 0.00002; gnomAD exomes 0.00002; TOPMed 0.00002.
gnomAD v4.1: 32 of 1,613,318 alleles (0.002%); highest among the groups gnomAD compares: Non-Finnish European, 0.0026%; no homozygotes.

Submission:

PreventionGenetics, part of Exact Sciences
Classification: Likely benign for MYO5A-related condition. Last evaluated: 2019-06-23. Review status: no assertion criteria provided. Collection method: clinical testing. Allele origin: germline.
Comment: This variant is classified as likely benign based on ACMG/AMP sequence variant interpretation guidelines (Richards et al. 2015 PMID: 25741868, with internal and published modifications).